The following is an entry in ClinVar:

ClinVar aggregate classification (germline): Conflicting classifications of pathogenicity. Review status: criteria provided, conflicting classifications (1 of 4 stars). 3 submissions from 3 submitters: Uncertain significance (2); Likely benign (1). Last evaluated 2025-10-15.

Conditions:
Cardiovascular phenotype. Identifiers: MedGen CN230736.
Brittle cornea syndrome 1 (BCS1). Also called: CORNEAL FRAGILITY, KERATOGLOBUS, BLUE SCLERAE, JOINT HYPEREXTENSIBILITY; EDS6B; FRAGILITAS OCULI WITH JOINT HYPEREXTENSIBILITY; Corneal fragility keratoglobus, blue sclerae AND joint hypermobility; DYSGENESIS MESODERMALIS CORNEAE ET SCLERAE. Identifiers: Orphanet 90354, MedGen C0268344, MONDO:0024543, OMIM 229200.

Allele frequency attached by ClinVar (database versions not stated): ExAC 0.00018; gnomAD 0.00001; gnomAD exomes 0.00012.
gnomAD v4.1: 59 of 1,550,220 alleles (0.0038%); highest among the groups gnomAD compares: South Asian, 0.065%; no homozygotes.

Submissions (3):

Women's Health and Genetics/Laboratory Corporation of America, LabCorp
Classification: Uncertain significance. Last evaluated: 2025-10-15. Review status: criteria provided, single submitter. Criteria: LabCorp Variant Classification Summary - May 2015. Collection method: clinical testing. Allele origin: germline.
Comment: Variant summary: ZNF469 c.7340G>C (p.Arg2447Thr) results in a non-conservative amino acid change in the encoded protein sequence. Algorithms developed to predict the effect of missense changes on protein structure and function are either unavailable or do not agree on the potential impact of this missense change. The variant allele was found at a frequency of 0.00012 in 152256 control chromosomes. This frequency is not significantly higher than estimated for disease-causing variants in ZNF469, allowing no conclusion about variant significance. To our knowledge, no occurrence of c.7340G>C in individuals affected with ZNF469-related conditions and no experimental evidence demonstrating its impact on protein function have been reported. ClinVar contains an entry for this variant (Variation ID: 1301577). Based on the evidence outlined above, the variant was classified as uncertain significance.

Ambry Genetics
Classification: Likely benign for Cardiovascular phenotype. Last evaluated: 2023-04-18. Review status: criteria provided, single submitter. Criteria: Ambry Variant Classification Scheme 2023. Collection method: clinical testing. Allele origin: germline.

Dubai Health Genomic Medicine Center, Dubai Health
Classification: Uncertain significance for Brittle cornea syndrome 1. Last evaluated: 2020-04-02. Review status: criteria provided, single submitter. Criteria: ACMG Guidelines, 2015. Collection method: clinical testing. Allele origin: germline. Affected: yes.

NM_001367624.2(ZNF469):c.7340G>C (p.Arg2447Thr)

Gene: ZNF469 (zinc finger protein 469; plus strand). Cytogenetic location: 16q24.2.
Variant type: single nucleotide variant.
Coding change: c.7340G>C on transcript NM_001367624.2 (MANE Select); coding-DNA position 7340, G replaced by C.
Protein change: p.Arg2447Thr; replaces arginine 2447 with threonine.
Molecular consequence: missense variant.
Genome position (GRCh38, 1-based): chr16:88,434,810, G>C. VCF-style: chr16-88434810-G-C. GRCh37 (hg19) VCF-style: chr16-88501218-G-C.
Other names: NM_001127464.2:c.7256G>C; NM_001127464.1:c.7256G>C; short protein forms R2447T.
Identifiers: ClinVar variation 1301577 (VCV001301577.5), dbSNP rs558035857, ClinGen allele CA8225237.
Genomic context (GRCh38, chr16:88,434,810, plus strand): 5'-GAAATGCCTCCCACCAGACTCCCCAGGGGGACCCCCTCGGCCCCCAAGACCTCAAACAGA[G>C]GTCCCGTGGCTATAAAAAGAAGCCTGCATCTACAGAGAACGGCCAGTGGAAGGGCCAAGC-3'
Protein context (NP_001354553.1, residues 2437-2457): DPLGPQDLKQ[Arg2447Thr]SRGYKKKPAS